The following is an entry in ClinVar:

ClinVar aggregate classification (germline): Conflicting classifications of pathogenicity. Review status: criteria provided, conflicting classifications (1 of 4 stars). 2 submissions from 2 submitters: Uncertain significance (1); Likely benign (1). Last evaluated 2026-06-09.

Conditions:
Obesity due to leptin receptor gene deficiency. Identifiers: Orphanet 179494, MedGen C3554225, MONDO:0013992, OMIM 614963.
LEPR-related disorder. Also called: LEPR-related condition; LEPR-related disorders.

Allele frequency attached by ClinVar (database versions not stated): gnomAD exomes below 0.00001.

Submissions (2):

PreventionGenetics, part of Exact Sciences
Classification: Likely benign for LEPR-related condition. Last evaluated: 2026-06-09. Review status: criteria provided, single submitter. Criteria: ACMG Guidelines, 2015. Collection method: clinical testing. Allele origin: germline.
Comment: This variant is classified as likely benign based on ACMG/AMP sequence variant interpretation guidelines (Richards et al. 2015 PMID: 25741868, with internal and published modifications).

Illumina Laboratory Services, Illumina
Classification: Uncertain significance for Obesity due to leptin receptor gene deficiency. Last evaluated: 2018-01-13. Review status: criteria provided, single submitter. Criteria: ICSL Variant Classification Criteria 13 December 2019. Collection method: clinical testing. Allele origin: germline.

NM_002303.6(LEPR):c.1341C>T (p.Cys447=)

Gene: LEPR (leptin receptor; plus strand). Cytogenetic location: 1p31.3.
Variant type: single nucleotide variant.
Coding change: c.1341C>T on transcript NM_002303.6 (MANE Select); coding-DNA position 1341, C replaced by T.
Protein change: p.Cys447=; no amino-acid change (cysteine 447 retained).
Molecular consequence: synonymous variant.
Genome position (GRCh38, 1-based): chr1:65,601,898, C>T. VCF-style: chr1-65601898-C-T. GRCh37 (hg19) VCF-style: chr1-66067581-C-T.
Other names: c.1341C>T, p.Cys447= (NM_001003679.3, NM_001003680.3, NM_001198687.2 and 2 more transcripts).
Identifiers: ClinVar variation 874950 (VCV000874950.5), dbSNP rs1656463888, ClinGen allele CA418436208.